The following is an entry in ClinVar:

NM_006662.3(SRCAP):c.7183_7184del (p.Val2395fs)

Gene: SRCAP (Snf2 related CREBBP activator protein; plus strand). Cytogenetic location: 16p11.2.
Variant type: Microsatellite.
Coding change: c.7183_7184del on transcript NM_006662.3 (MANE Select); coding-DNA positions 7183 to 7184, 2 bases deleted (GT; older notation c.7183_7184delGT).
Protein change: p.Val2395fs; shifts the reading frame from valine 2395.
Molecular consequence: frameshift variant.
Genome position (GRCh38, 1-based): chr16:30,737,223-30,737,224, GT deleted; deleting any 2 consecutive bases within chr16:30,737,221-30,737,224 gives the same sequence; the c. name uses the placement nearest the transcript's 3' end. VCF-style (leftmost placement, unchanged base first): chr16-30737220-CGT-C. GRCh37 (hg19) VCF-style: chr16-30748541-CGT-C.
Other names: short protein forms V2395fs.
Identifiers: ClinVar variation 4535143 (VCV004535143.6).
Genomic context (GRCh38, chr16:30,737,220, plus strand): 5'-ACTGGTGGAGGCACCCACCGGCGCAGTAAAAAGGCCAAAGCCCCTGAGAGGCCGGGGACT[CGT>C]GTCAGTGAGCGTCTTCGTGGAGCCCGGGCTGAGACTCAAGGGGCAAACCACACTCCTGTC-3'

ClinVar aggregate classification (germline): Likely pathogenic (1 of 4 stars; one submission).

Submission:

CeGaT Center for Human Genetics Tuebingen
Classification: Likely pathogenic. Last evaluated: 2025-11-01. Review status: criteria provided, single submitter. Criteria: CeGaT Center For Human Genetics Tuebingen Variant Classification Criteria Version 2. Collection method: clinical testing. Allele origin: germline. Affected: yes. Observed: 1 variant allele.
Comment: SRCAP: PVS1:Strong, PM2